The following is an entry in ClinVar:

NM_001876.4(CPT1A):c.418C>T (p.His140Tyr)

Gene: CPT1A (carnitine palmitoyltransferase 1A; minus strand). Cytogenetic location: 11q13.3.
Variant type: single nucleotide variant.
Coding change: c.418C>T on transcript NM_001876.4 (MANE Select); coding-DNA position 418, C replaced by T.
Protein change: p.His140Tyr; replaces histidine 140 with tyrosine.
Molecular consequence: missense variant.
Genome position (GRCh38, 1-based): chr11:68,807,502, G>A on the plus strand (C>T on the coding strand, the complement: CPT1A is on the minus strand). VCF-style: chr11-68807502-G-A. GRCh37 (hg19) VCF-style: chr11-68574970-G-A.
Other names: c.418C>T, p.His140Tyr (NM_001031847.3); short protein forms H140Y.
Identifiers: ClinVar variation 2141796 (VCV002141796.1), dbSNP rs1370334438, ClinGen allele CA381636615.

ClinVar aggregate classification (germline): Uncertain significance (1 of 4 stars; one submission).

Conditions:
Carnitine palmitoyl transferase 1A deficiency. Also called: CPT I DEFICIENCY; CPT DEFICIENCY, HEPATIC, TYPE I; CPT deficiency, hepatic, type IA; Carnitine palmitoyltransferase 1A deficiency; Carnitine palmitoyltransferase type I deficiency. Identifiers: Orphanet 156, MedGen C1829703, MONDO:0009705, OMIM 255120.

Allele frequency attached by ClinVar (database versions not stated): gnomAD 0.00001; gnomAD exomes 0.00001; TOPMed 0.00001.
gnomAD v4.1: 14 of 1,614,024 alleles (0.00087%); highest among the groups gnomAD compares: Non-Finnish European, 0.0012%; no homozygotes.

Submission:

Labcorp Genetics (formerly Invitae), Labcorp
Classification: Uncertain significance for Carnitine palmitoyl transferase 1A deficiency. Last evaluated: 2022-07-30. Review status: criteria provided, single submitter. Criteria: Invitae Variant Classification Sherloc (09022015). Collection method: clinical testing. Allele origin: germline.
Comment: This sequence change replaces histidine, which is basic and polar, with tyrosine, which is neutral and polar, at codon 140 of the CPT1A protein (p.His140Tyr). This variant is present in population databases (no rsID available, gnomAD 0.0009%). This variant has not been reported in the literature in individuals affected with CPT1A-related conditions. Algorithms developed to predict the effect of missense changes on protein structure and function output the following: SIFT: "Tolerated"; PolyPhen-2: "Benign"; Align-GVGD: "Class C0". The tyrosine amino acid residue is found in multiple mammalian species, which suggests that this missense change does not adversely affect protein function. Algorithms developed to predict the effect of sequence changes on RNA splicing suggest that this variant may create or strengthen a splice site. In summary, the available evidence is currently insufficient to determine the role of this variant in disease. Therefore, it has been classified as a Variant of Uncertain Significance.